The following is an entry in ClinVar:

NM_006348.5(COG5):c.2451G>A (p.Met817Ile)

Gene: COG5 (component of oligomeric golgi complex 5; minus strand). Cytogenetic location: 7q22.3.
Variant type: single nucleotide variant.
Coding change: c.2451G>A on transcript NM_006348.5 (MANE Select); coding-DNA position 2451, G replaced by A.
Protein change: p.Met817Ile; replaces methionine 817 with isoleucine.
Molecular consequence: missense variant.
Genome position (GRCh38, 1-based): chr7:107,203,555, C>T on the plus strand (G>A on the coding strand, the complement: COG5 is on the minus strand). VCF-style: chr7-107203555-C-T. GRCh37 (hg19) VCF-style: chr7-106844000-C-T.
Other names: c.2289G>A, p.Met763Ile (NM_001379511.1); c.2277G>A, p.Met759Ile (NM_001379512.1); c.2244G>A, p.Met748Ile (NM_001379513.1); c.2136G>A, p.Met712Ile (NM_001379514.1); c.1881G>A, p.Met627Ile (NM_001379515.1); c.1737G>A, p.Met579Ile (NM_001379516.1); c.2388G>A, p.Met796Ile (NM_181733.4); c.2544G>A (NM_006348.3); short protein forms M817I, M627I, M712I, M759I, M579I, M748I, M796I, M763I.
Identifiers: ClinVar variation 1425517 (VCV001425517.6), dbSNP rs760038268, ClinGen allele CA4430571.

ClinVar aggregate classification (germline): Uncertain significance. Review status: criteria provided, multiple submitters, no conflicts (2 of 4 stars). 2 submissions from 2 submitters: Uncertain significance (2). Last evaluated 2024-03-15.

Conditions:
Inborn genetic diseases. Identifiers: MedGen C0950123, MeSH D030342.
COG5-congenital disorder of glycosylation. Also called: CONGENITAL DISORDER OF GLYCOSYLATION, TYPE IIi; COG5-CDG; CDG IIi. Identifiers: Orphanet 263487, MedGen C3150876, MONDO:0013325, OMIM 613612.

Allele frequency attached by ClinVar (database versions not stated): gnomAD exomes below 0.00001; ExAC 0.00001; gnomAD 0.00005; TOPMed 0.00005.
gnomAD v4.1: 8 of 1,613,866 alleles (0.0005%); highest among the groups gnomAD compares: African/African-American, 0.011%; no homozygotes.

Submissions (2):

Ambry Genetics
Classification: Uncertain significance for Inborn genetic diseases. Last evaluated: 2024-03-15. Review status: criteria provided, single submitter. Criteria: Ambry Variant Classification Scheme 2023. Collection method: clinical testing. Allele origin: germline.

Labcorp Genetics (formerly Invitae), Labcorp
Classification: Uncertain significance for COG5-congenital disorder of glycosylation. Last evaluated: 2021-08-28. Review status: criteria provided, single submitter. Criteria: Invitae Variant Classification Sherloc (09022015). Collection method: clinical testing. Allele origin: germline.
Comment: This sequence change replaces methionine with isoleucine at codon 848 of the COG5 protein (p.Met848Ile). The methionine residue is highly conserved and there is a small physicochemical difference between methionine and isoleucine. This variant is present in population databases (rs760038268, ExAC 0.01%). This variant has not been reported in the literature in individuals affected with COG5-related conditions. Algorithms developed to predict the effect of missense changes on protein structure and function (SIFT, PolyPhen-2, Align-GVGD) all suggest that this variant is likely to be tolerated. Algorithms developed to predict the effect of sequence changes on RNA splicing suggest that this variant may create or strengthen a splice site. In summary, the available evidence is currently insufficient to determine the role of this variant in disease. Therefore, it has been classified as a Variant of Uncertain Significance.